The following is an entry in ClinVar:

NM_000051.4(ATM):c.8631G>C (p.Leu2877Phe)

Genes: ATM (ATM serine/threonine kinase; plus strand), C11orf65 (chromosome 11 open reading frame 65; minus strand). Cytogenetic location: 11q22.3.
Variant type: single nucleotide variant.
Coding change: c.8631G>C on transcript NM_000051.4 (MANE Select); coding-DNA position 8631, G replaced by C.
Protein change: p.Leu2877Phe; replaces leucine 2877 with phenylalanine.
Molecular consequence: missense variant. On other transcripts: intron variant (2).
Genome position (GRCh38, 1-based): chr11:108,347,325, G>C. VCF-style: chr11-108347325-G-C. GRCh37 (hg19) VCF-style: chr11-108218052-G-C.
Other names: c.8631G>C, p.Leu2877Phe (NM_001351834.2); c.641-38254C>G (NM_001330368.2); c.695-12033C>G (NM_001351110.2); short protein forms L2877F.
Identifiers: ClinVar variation 489600 (VCV000489600.7), dbSNP rs1064794840, ClinGen allele CA382520845.

ClinVar aggregate classification (germline): Uncertain significance. Review status: criteria provided, multiple submitters, no conflicts (2 of 4 stars). 2 submissions from 2 submitters: Uncertain significance (2). Last evaluated 2024-01-18.

Conditions:
Hereditary cancer-predisposing syndrome. Also called: Neoplastic Syndromes, Hereditary; Hereditary Cancer Syndrome; Tumor predisposition; Hereditary neoplastic syndrome. Identifiers: Orphanet 140162, MedGen C0027672, MeSH D009386, MONDO:0015356.

Submissions (2):

Ambry Genetics
Classification: Uncertain significance for Hereditary cancer-predisposing syndrome. Last evaluated: 2024-01-18. Review status: criteria provided, single submitter. Criteria: Ambry Variant Classification Scheme 2023. Collection method: clinical testing. Allele origin: germline.
Comment: The p.L2877F variant (also known as c.8631G>C), located in coding exon 58 of the ATM gene, results from a G to C substitution at nucleotide position 8631. The leucine at codon 2877 is replaced by phenylalanine, an amino acid with highly similar properties. This amino acid position is highly conserved in available vertebrate species. In addition, this alteration is predicted to be deleterious by in silico analysis. Since supporting evidence is limited at this time, the clinical significance of this alteration remains unclear.

Color Diagnostics, LLC DBA Color Health
Classification: Uncertain significance for Hereditary cancer-predisposing syndrome. Last evaluated: 2018-09-11. Review status: criteria provided, single submitter. Criteria: ACMG Guidelines, 2015. Collection method: clinical testing. Allele origin: germline.